The following is an entry in ClinVar:

ClinVar aggregate classification (germline): Uncertain significance. Review status: criteria provided, multiple submitters, no conflicts (2 of 4 stars). 3 submissions from 3 submitters: Uncertain significance (3). Last evaluated 2025-12-07.

Conditions:
Hereditary cancer-predisposing syndrome. Also called: Hereditary Cancer Syndrome; Neoplastic Syndromes, Hereditary; Hereditary neoplastic syndrome; Tumor predisposition. Identifiers: Orphanet 140162, MedGen C0027672, MeSH D009386, MONDO:0015356.
Microcephaly, normal intelligence and immunodeficiency (NBS). Also called: Nijmegen breakage syndrome; Microcephaly with normal intelligence immunodeficiency and lymphoreticular malignancies; Nonsyndromal microcephaly autosomal recessive with normal intelligence; Seemanova syndrome 2; Immunodeficiency, microcephaly with normal intelligence; Ataxia telangiectasia variant V1. Identifiers: Orphanet 647, MedGen C0398791, MONDO:0009623, OMIM 251260.

gnomAD v4.1: 1 of 1,613,566 alleles (0.000062%); highest among the groups gnomAD compares: African/African-American, 0.0013%; no homozygotes.

Submissions (3):

Ambry Genetics
Classification: Uncertain significance for Hereditary cancer-predisposing syndrome. Last evaluated: 2025-12-07. Review status: criteria provided, single submitter. Criteria: Ambry Variant Classification Scheme 2023. Collection method: clinical testing. Allele origin: germline.
Comment: The p.S432L variant (also known as c.1295C>T), located in coding exon 10 of the NBN gene, results from a C to T substitution at nucleotide position 1295. The serine at codon 432 is replaced by leucine, an amino acid with dissimilar properties. This amino acid position is highly conserved in available vertebrate species. In addition, this alteration is predicted to be tolerated by in silico analysis. Since supporting evidence is limited at this time, the clinical significance of this alteration remains unclear.

Genome-Nilou Lab
Classification: Uncertain significance for Microcephaly, normal intelligence and immunodeficiency. Last evaluated: 2021-11-07. Review status: criteria provided, single submitter. Criteria: ACMG Guidelines, 2015. Collection method: clinical testing. Allele origin: germline. Affected: no.

Labcorp Genetics (formerly Invitae), Labcorp
Classification: Uncertain significance for Microcephaly, normal intelligence and immunodeficiency. Last evaluated: 2021-09-15. Review status: criteria provided, single submitter. Criteria: Invitae Variant Classification Sherloc (09022015). Collection method: clinical testing. Allele origin: germline.
Comment: This sequence change replaces serine with leucine at codon 432 of the NBN protein (p.Ser432Leu). The serine residue is moderately conserved and there is a large physicochemical difference between serine and leucine. This variant is not present in population databases (ExAC no frequency). This variant has not been reported in the literature in individuals affected with NBN-related conditions. Algorithms developed to predict the effect of missense changes on protein structure and function (SIFT, PolyPhen-2, Align-GVGD) all suggest that this variant is likely to be tolerated. In summary, the available evidence is currently insufficient to determine the role of this variant in disease. Therefore, it has been classified as a Variant of Uncertain Significance.

NM_002485.5(NBN):c.1295C>T (p.Ser432Leu)

Gene: NBN (nibrin; minus strand). Cytogenetic location: 8q21.3.
Variant type: single nucleotide variant.
Coding change: c.1295C>T on transcript NM_002485.5 (MANE Select); coding-DNA position 1295, C replaced by T.
Protein change: p.Ser432Leu; replaces serine 432 with leucine.
Molecular consequence: missense variant.
Genome position (GRCh38, 1-based): chr8:89,955,385, G>A on the plus strand (C>T on the coding strand, the complement: NBN is on the minus strand). VCF-style: chr8-89955385-G-A. GRCh37 (hg19) VCF-style: chr8-90967613-G-A.
Other names: c.1049C>T, p.Ser350Leu (NM_001024688.3); short protein forms S350L, S432L.
Identifiers: ClinVar variation 818828 (VCV000818828.12), dbSNP rs1258938703, ClinGen allele CA371656173.